The following is an entry in ClinVar:

NM_032447.5(FBN3):c.2182T>C (p.Cys728Arg)

Gene: FBN3 (fibrillin 3; minus strand). Cytogenetic location: 19p13.2.
Variant type: single nucleotide variant.
Coding change: c.2182T>C on transcript NM_032447.5 (MANE Select); coding-DNA position 2182, T replaced by C.
Protein change: p.Cys728Arg; replaces cysteine 728 with arginine.
Molecular consequence: missense variant.
Genome position (GRCh38, 1-based): chr19:8,129,142, A>G on the plus strand (T>C on the coding strand, the complement: FBN3 is on the minus strand). VCF-style: chr19-8129142-A-G. GRCh37 (hg19) VCF-style: chr19-8194026-A-G.
Other names: c.2182T>C, p.Cys728Arg (NM_001321431.2); short protein forms C728R.
Identifiers: ClinVar variation 3689952 (VCV003689952.2).

ClinVar aggregate classification (germline): Uncertain significance (1 of 4 stars; one submission).

Submission:

Labcorp Genetics (formerly Invitae), Labcorp
Classification: Uncertain significance. Last evaluated: 2024-08-22. Review status: criteria provided, single submitter. Criteria: Invitae Variant Classification Sherloc (09022015). Collection method: clinical testing. Allele origin: germline.
Comment: This sequence change replaces cysteine, which is neutral and slightly polar, with arginine, which is basic and polar, at codon 728 of the FBN3 protein (p.Cys728Arg). This variant is not present in population databases (gnomAD no frequency). This variant has not been reported in the literature in individuals affected with FBN3-related conditions. Invitae Evidence Modeling of protein sequence and biophysical properties (such as structural, functional, and spatial information, amino acid conservation, physicochemical variation, residue mobility, and thermodynamic stability) indicates that this missense variant is expected to disrupt FBN3 protein function with a positive predictive value of 80%. In summary, the available evidence is currently insufficient to determine the role of this variant in disease. Therefore, it has been classified as a Variant of Uncertain Significance.